The following is an entry in ClinVar:

NM_016292.3(TRAP1):c.1778G>A (p.Arg593His)

Genes: DNASE1 (deoxyribonuclease 1; plus strand), TRAP1 (TNF receptor associated protein 1; minus strand). Cytogenetic location: 16p13.3.
Variant type: single nucleotide variant.
Coding change: c.1778G>A on transcript NM_016292.3 (MANE Select); coding-DNA position 1778, G replaced by A.
Protein change: p.Arg593His; replaces arginine 593 with histidine.
Molecular consequence: missense variant. On other transcripts: 3 prime UTR variant (1).
Genome position (GRCh38, 1-based): chr16:3,662,898, C>T on the plus strand (G>A on the coding strand, the complement: TRAP1 is on the minus strand). VCF-style: chr16-3662898-C-T. GRCh37 (hg19) VCF-style: chr16-3712899-C-T.
Other names: c.1619G>A, p.Arg540His (NM_001272049.2); c.*274C>T (NM_001387140.1); short protein forms R593H, R540H.
Identifiers: ClinVar variation 1960132 (VCV001960132.5), dbSNP rs145850823, ClinGen allele CA7867891.

ClinVar aggregate classification (germline): Uncertain significance. Review status: criteria provided, multiple submitters, no conflicts (2 of 4 stars). 2 submissions from 2 submitters: Uncertain significance (2). Last evaluated 2022-12-24.

gnomAD v4.1: 153 of 1,613,464 alleles (0.0095%); highest among the groups gnomAD compares: Admixed American, 0.062%; no homozygotes.

Submissions (2):

Labcorp Genetics (formerly Invitae), Labcorp
Classification: Uncertain significance. Last evaluated: 2022-12-24. Review status: criteria provided, single submitter. Criteria: Invitae Variant Classification Sherloc (09022015). Collection method: clinical testing. Allele origin: germline.
Comment: This variant is present in population databases (rs145850823, gnomAD 0.05%). In summary, the available evidence is currently insufficient to determine the role of this variant in disease. Therefore, it has been classified as a Variant of Uncertain Significance. Advanced modeling of protein sequence and biophysical properties (such as structural, functional, and spatial information, amino acid conservation, physicochemical variation, residue mobility, and thermodynamic stability) performed at Invitae indicates that this missense variant is not expected to disrupt TRAP1 protein function. This variant has not been reported in the literature in individuals affected with TRAP1-related conditions. This sequence change replaces arginine, which is basic and polar, with histidine, which is basic and polar, at codon 593 of the TRAP1 protein (p.Arg593His).

Ambry Genetics
Classification: Uncertain significance. Last evaluated: 2021-08-30. Review status: criteria provided, single submitter. Criteria: Ambry Variant Classification Scheme 2023. Collection method: clinical testing. Allele origin: germline.